The following is an entry in ClinVar:

NM_000268.4(NF2):c.114+5C>A

Gene: NF2 (NF2, moesin-ezrin-radixin like (MERLIN) tumor suppressor; plus strand). Cytogenetic location: 22q12.2.
Variant type: single nucleotide variant.
Coding change: c.114+5C>A on transcript NM_000268.4 (MANE Select); 5 bases into the intron after coding-DNA position 114, C replaced by A.
Molecular consequence: intron variant.
Genome position (GRCh38, 1-based): chr22:29,604,117, C>A. VCF-style: chr22-29604117-C-A. GRCh37 (hg19) VCF-style: chr22-30000106-C-A.
Other names: c.114+5C>A (NM_016418.5, NM_181832.3, NM_001407060.1 and 15 more transcripts); c.-117+5C>A (NM_001407056.1, NM_001407053.1); c.-143+5C>A (NM_001407067.1); c.-527+5C>A (NM_001407065.1).
Identifiers: ClinVar variation 3231071 (VCV003231071.1), dbSNP rs2518228291, ClinGen allele CA2656030037.

ClinVar aggregate classification (germline): Uncertain significance (1 of 4 stars; one submission).

Conditions:
Hereditary cancer-predisposing syndrome. Also called: Neoplastic Syndromes, Hereditary; Tumor predisposition; Hereditary neoplastic syndrome; Hereditary Cancer Syndrome. Identifiers: Orphanet 140162, MedGen C0027672, MeSH D009386, MONDO:0015356.

Submission:

Ambry Genetics
Classification: Uncertain significance for Hereditary cancer-predisposing syndrome. Last evaluated: 2023-09-19. Review status: criteria provided, single submitter. Criteria: Ambry Variant Classification Scheme 2023. Collection method: clinical testing. Allele origin: germline.
Comment: The c.114+5C>A intronic variant results from a C to A substitution 5 nucleotides after coding exon 1 in the NF2 gene. This nucleotide position is well conserved in available vertebrate species. In silico splice site analysis predicts that this alteration will not have any significant effect on splicing. Since supporting evidence is limited at this time, the clinical significance of this alteration remains unclear.